The following is an entry in ClinVar:

NM_177438.3(DICER1):c.172C>T (p.His58Tyr)

Gene: DICER1 (dicer 1, ribonuclease III; minus strand). Cytogenetic location: 14q32.13.
Variant type: single nucleotide variant.
Coding change: c.172C>T on transcript NM_177438.3 (MANE Select); coding-DNA position 172, C replaced by T.
Protein change: p.His58Tyr; replaces histidine 58 with tyrosine.
Molecular consequence: missense variant. On other transcripts: 5 prime UTR variant (9), non-coding transcript variant (6).
Genome position (GRCh38, 1-based): chr14:95,132,650, G>A on the plus strand (C>T on the coding strand, the complement: DICER1 is on the minus strand). VCF-style: chr14-95132650-G-A. GRCh37 (hg19) VCF-style: chr14-95598987-G-A.
Other names: c.-287C>T (NM_001395691.1); c.172C>T, p.His58Tyr (NM_001395692.1, NM_001395693.1, NM_001395694.1 and 15 more transcripts); c.-103C>T (NM_001395696.1, NM_001395698.1, NM_001395686.1 and 4 more transcripts); c.-1397C>T (NM_001395697.1); short protein forms H58Y.
Identifiers: ClinVar variation 2715940 (VCV002715940.3), dbSNP rs1555376409, ClinGen allele CA390890074.

ClinVar aggregate classification (germline): Uncertain significance (1 of 4 stars; one submission).

Conditions:
DICER1-related tumor predisposition. Also called: DICER1-related pleuropulmonary blastoma cancer predisposition syndrome; DICER1 syndrome. Identifiers: Orphanet 284343, MedGen C3839822, MONDO:0100216.

Submission:

Labcorp Genetics (formerly Invitae), Labcorp
Classification: Uncertain significance for DICER1-related tumor predisposition. Last evaluated: 2023-06-15. Review status: criteria provided, single submitter. Criteria: Invitae Variant Classification Sherloc (09022015). Collection method: clinical testing. Allele origin: germline.
Comment: This sequence change replaces histidine, which is basic and polar, with tyrosine, which is neutral and polar, at codon 58 of the DICER1 protein (p.His58Tyr). In summary, the available evidence is currently insufficient to determine the role of this variant in disease. Therefore, it has been classified as a Variant of Uncertain Significance. Advanced modeling of protein sequence and biophysical properties (such as structural, functional, and spatial information, amino acid conservation, physicochemical variation, residue mobility, and thermodynamic stability) performed at Invitae indicates that this missense variant is not expected to disrupt DICER1 protein function. This variant has not been reported in the literature in individuals affected with DICER1-related conditions. This variant is not present in population databases (gnomAD no frequency).